The following is an entry in ClinVar:

ClinVar aggregate classification (germline): Uncertain significance. Review status: criteria provided, multiple submitters, no conflicts (2 of 4 stars). 2 submissions from 2 submitters: Uncertain significance (2). Last evaluated 2024-04-01.

Conditions:
Inborn genetic diseases. Identifiers: MedGen C0950123, MeSH D030342.

Allele frequency attached by ClinVar (database versions not stated): TOPMed 0.00002.
gnomAD v4.1: 1 of 1,614,094 alleles (0.000062%); highest among the groups gnomAD compares: Admixed American, 0.0017%; no homozygotes.

Submissions (2):

Ambry Genetics
Classification: Uncertain significance for Inborn genetic diseases. Last evaluated: 2024-04-01. Review status: criteria provided, single submitter. Criteria: Ambry Variant Classification Scheme 2023. Collection method: clinical testing. Allele origin: germline.

Labcorp Genetics (formerly Invitae), Labcorp
Classification: Uncertain significance. Last evaluated: 2023-01-01. Review status: criteria provided, single submitter. Criteria: Invitae Variant Classification Sherloc (09022015). Collection method: clinical testing. Allele origin: germline.
Comment: In summary, the available evidence is currently insufficient to determine the role of this variant in disease. Therefore, it has been classified as a Variant of Uncertain Significance. Algorithms developed to predict the effect of missense changes on protein structure and function are either unavailable or do not agree on the potential impact of this missense change (SIFT: "Deleterious"; PolyPhen-2: "Benign"; Align-GVGD: "Class C0"). This variant has not been reported in the literature in individuals affected with REST-related conditions. This variant is not present in population databases (gnomAD no frequency). This sequence change replaces proline, which is neutral and non-polar, with threonine, which is neutral and polar, at codon 103 of the REST protein (p.Pro103Thr).

NM_005612.5(REST):c.307C>A (p.Pro103Thr)

Gene: REST (RE1 silencing transcription factor; plus strand). Cytogenetic location: 4q12.
Variant type: single nucleotide variant.
Coding change: c.307C>A on transcript NM_005612.5 (MANE Select); coding-DNA position 307, C replaced by A.
Protein change: p.Pro103Thr; replaces proline 103 with threonine.
Molecular consequence: missense variant.
Genome position (GRCh38, 1-based): chr4:56,910,945, C>A. VCF-style: chr4-56910945-C-A. GRCh37 (hg19) VCF-style: chr4-57777111-C-A.
Other names: c.307C>A, p.Pro103Thr (NM_001193508.2, NM_001363453.3); short protein forms P103T.
Identifiers: ClinVar variation 2892233 (VCV002892233.4), dbSNP rs1356441917, ClinGen allele CA357003335.